The following is an entry in ClinVar:

NM_001184.4(ATR):c.3722del (p.Asn1241fs)

Gene: ATR (ATR checkpoint kinase; minus strand). Cytogenetic location: 3q23.
Variant type: Deletion.
Coding change: c.3722del on transcript NM_001184.4 (MANE Select); coding-DNA position 3722, one base deleted (A; older notation c.3722delA).
Protein change: p.Asn1241fs; shifts the reading frame from asparagine 1241.
Molecular consequence: frameshift variant.
Genome position (GRCh38, 1-based): chr3:142,538,485, T deleted on the plus strand (A on the coding strand, the reverse complement: ATR is on the minus strand); the first of 4 consecutive T bases (chr3:142,538,485-142,538,488); deleting any one gives the same sequence. VCF-style (leftmost placement, unchanged base first): chr3-142538484-GT-G. GRCh37 (hg19) VCF-style: chr3-142257326-GT-G.
Other names: c.3530del, p.Asn1177fs (NM_001354579.2); short protein forms N1241fs, N1177fs.
Identifiers: ClinVar variation 4727395 (VCV004727395.1).

ClinVar aggregate classification (germline): Pathogenic (1 of 4 stars; one submission).

Submission:

Labcorp Genetics (formerly Invitae), Labcorp
Classification: Pathogenic. Last evaluated: 2025-09-17. Review status: criteria provided, single submitter. Criteria: Invitae Variant Classification Sherloc (09022015). Collection method: clinical testing. Allele origin: germline.
Comment: This sequence change creates a premature translational stop signal (p.Asn1241Thrfs*21) in the ATR gene. It is expected to result in an absent or disrupted protein product. Loss-of-function variants in ATR are known to be pathogenic (PMID: 21228398, 23144622). This variant is not present in population databases (gnomAD no frequency). This variant has not been reported in the literature in individuals affected with ATR-related conditions. For these reasons, this variant has been classified as Pathogenic.

Literature cited by the submitters: PubMed 21228398; PubMed 23144622.